The following is an entry in ClinVar:

NM_017841.4(SDHAF2):c.219G>C (p.Glu73Asp)

Gene: SDHAF2 (succinate dehydrogenase complex assembly factor 2; plus strand). Cytogenetic location: 11q12.2.
Variant type: single nucleotide variant.
Coding change: c.219G>C on transcript NM_017841.4 (MANE Select); coding-DNA position 219, G replaced by C.
Protein change: p.Glu73Asp; replaces glutamic acid 73 with aspartic acid.
Molecular consequence: missense variant.
Genome position (GRCh38, 1-based): chr11:61,437,807, G>C. VCF-style: chr11-61437807-G-C. GRCh37 (hg19) VCF-style: chr11-61205279-G-C.
Other names: short protein forms E73D.
Identifiers: ClinVar variation 3227051 (VCV003227051.2), dbSNP rs2134892448, ClinGen allele CA380683709.

ClinVar aggregate classification (germline): Uncertain significance. Review status: criteria provided, multiple submitters, no conflicts (2 of 4 stars). 2 submissions from 2 submitters: Uncertain significance (2). Last evaluated 2025-10-23.

Conditions:
Hereditary cancer-predisposing syndrome. Also called: Neoplastic Syndromes, Hereditary; Tumor predisposition; Hereditary Cancer Syndrome; Hereditary neoplastic syndrome. Identifiers: Orphanet 140162, MedGen C0027672, MeSH D009386, MONDO:0015356.
Hereditary pheochromocytoma and paraganglioma. Also called: Hereditary paragangliomas and pheochromocytomas; Hereditary Paraganglioma-Pheochromocytoma Syndromes; Hereditary pheochromocytoma-paraganglioma. Identifiers: Orphanet 29072, MedGen C4274332, MONDO:0017366.

Submissions (2):

Labcorp Genetics (formerly Invitae), Labcorp
Classification: Uncertain significance for Hereditary pheochromocytoma and paraganglioma. Last evaluated: 2025-10-23. Review status: criteria provided, single submitter. Criteria: Invitae Variant Classification Sherloc (09022015). Collection method: clinical testing. Allele origin: germline.
Comment: This sequence change replaces glutamic acid, which is acidic and polar, with aspartic acid, which is acidic and polar, at codon 73 of the SDHAF2 protein (p.Glu73Asp). This variant is not present in population databases (gnomAD no frequency). This variant has not been reported in the literature in individuals affected with SDHAF2-related conditions. ClinVar contains an entry for this variant (Variation ID: 3227051). An algorithm developed to predict the effect of missense changes on protein structure and function (PolyPhen-2) suggests that this variant is likely to be disruptive. In summary, the available evidence is currently insufficient to determine the role of this variant in disease. Therefore, it has been classified as a Variant of Uncertain Significance.

Ambry Genetics
Classification: Uncertain significance for Hereditary cancer-predisposing syndrome. Last evaluated: 2023-12-20. Review status: criteria provided, single submitter. Criteria: Ambry Variant Classification Scheme 2023. Collection method: clinical testing. Allele origin: germline.
Comment: The p.E73D variant (also known as c.219G>C), located in coding exon 2 of the SDHAF2 gene, results from a G to C substitution at nucleotide position 219. The glutamic acid at codon 73 is replaced by aspartic acid, an amino acid with highly similar properties. This amino acid position is conserved. In addition, the in silico prediction for this alteration is inconclusive. Since supporting evidence is limited at this time, the clinical significance of this alteration remains unclear.